The following is an entry in ClinVar:

ClinVar aggregate classification (germline): Pathogenic (1 of 4 stars; one submission).

Conditions:
Severe combined immunodeficiency due to DCLRE1C deficiency (RS-SCID). Also called: SCID, AUTOSOMAL RECESSIVE, T CELL-NEGATIVE, B CELL-NEGATIVE, NK CELL-POSITIVE, WITH SENSITIVITY TO IONIZING RADIATION. Identifiers: Orphanet 275, MedGen C1865371, MONDO:0011225, OMIM 602450.

Submission:

Labcorp Genetics (formerly Invitae), Labcorp
Classification: Pathogenic for Athabaskan severe combined immunodeficiency. Last evaluated: 2021-08-04. Review status: criteria provided, single submitter. Criteria: Invitae Variant Classification Sherloc (09022015). Collection method: clinical testing. Allele origin: germline.
Comment: This variant is a gross deletion of the genomic region encompassing exon(s) 1 of the DCLRE1C gene, which includes the initiator codon. The 5' end of this event is unknown as it extends beyond the assayed region for this gene and therefore may encompass additional genes. The 3' boundary is likely confined to intron 1 of the DCLRE1C gene. It is expected to result in an absent or disrupted protein product. Loss-of-function variants in DCLRE1C are known to be pathogenic (PMID: 21664875, 26123418). A similar copy number variant has been observed in individual(s) with clinical features of DCLRE1C-related conditions (PMID: 17169382). For these reasons, this variant has been classified as Pathogenic.

Literature cited by the submitters: PubMed 21664875; PubMed 26123418; PubMed 17169382.

NC_000010.10:g.(?_14995891)_(14996441_?)del

Gene: DCLRE1C (DNA cross-link repair 1C; minus strand). Cytogenetic location: 10p13.
Variant type: Deletion.
Identifiers: ClinVar variation 1455217 (VCV001455217.5).